The following is an entry in ClinVar:

ClinVar aggregate classification (germline): Conflicting classifications of pathogenicity. Review status: criteria provided, conflicting classifications (1 of 4 stars). 2 submissions from 2 submitters: Uncertain significance (1); Likely benign (1). Last evaluated 2025-12-01.

Allele frequency attached by ClinVar (database versions not stated): TOPMed below 0.00001.

Submissions (2):

Labcorp Genetics (formerly Invitae), Labcorp
Classification: Uncertain significance. Last evaluated: 2025-12-01. Review status: criteria provided, single submitter. Criteria: Invitae Variant Classification Sherloc (09022015). Collection method: clinical testing. Allele origin: germline.
Comment: This sequence change replaces threonine, which is neutral and polar, with alanine, which is neutral and non-polar, at codon 124 of the KMT2A protein (p.Thr124Ala). This variant is not present in population databases (gnomAD no frequency). This variant has not been reported in the literature in individuals affected with KMT2A-related conditions. ClinVar contains an entry for this variant (Variation ID: 1712023). Invitae Evidence Modeling of protein sequence and biophysical properties (such as structural, functional, and spatial information, amino acid conservation, physicochemical variation, residue mobility, and thermodynamic stability) has been performed for this missense variant. However, the output from this modeling did not meet the statistical confidence thresholds required to predict the impact of this variant on KMT2A protein function. In summary, the available evidence is currently insufficient to determine the role of this variant in disease. Therefore, it has been classified as a Variant of Uncertain Significance.

GeneDx
Classification: Likely benign. Last evaluated: 2023-06-21. Review status: criteria provided, single submitter. Criteria: GeneDx Variant Classification Process June 2021. Collection method: clinical testing. Allele origin: germline. Affected: yes.
Comment: Not observed at significant frequency in large population cohorts (gnomAD); In silico analysis supports that this missense variant does not alter protein structure/function; Has not been previously published as pathogenic or benign to our knowledge

NM_001197104.2(KMT2A):c.370A>G (p.Thr124Ala)

Gene: KMT2A (lysine methyltransferase 2A; plus strand). Cytogenetic location: 11q23.3.
Variant type: single nucleotide variant.
Coding change: c.370A>G on transcript NM_001197104.2 (MANE Select); coding-DNA position 370, A replaced by G.
Protein change: p.Thr124Ala; replaces threonine 124 with alanine.
Molecular consequence: missense variant.
Genome position (GRCh38, 1-based): chr11:118,436,882, A>G. VCF-style: chr11-118436882-A-G. GRCh37 (hg19) VCF-style: chr11-118307597-A-G.
Other names: c.370A>G, p.Thr124Ala (NM_001412597.1, NM_005933.4); short protein forms T124A.
Identifiers: ClinVar variation 1712023 (VCV001712023.7), dbSNP rs1555138791, ClinGen allele CA382798500.